The following is an entry in ClinVar:

NM_006231.4(POLE):c.470T>A (p.Phe157Tyr)

Gene: POLE (DNA polymerase epsilon, catalytic subunit; minus strand). Cytogenetic location: 12q24.33.
Variant type: single nucleotide variant.
Coding change: c.470T>A on transcript NM_006231.4 (MANE Select); coding-DNA position 470, T replaced by A.
Protein change: p.Phe157Tyr; replaces phenylalanine 157 with tyrosine.
Molecular consequence: missense variant.
Genome position (GRCh38, 1-based): chr12:132,679,605, A>T on the plus strand (T>A on the coding strand, the complement: POLE is on the minus strand). VCF-style: chr12-132679605-A-T. GRCh37 (hg19) VCF-style: chr12-133256191-A-T.
Other names: short protein forms F157Y.
Identifiers: ClinVar variation 3011110 (VCV003011110.3), dbSNP rs2542188676, ClinGen allele CA387367372.

ClinVar aggregate classification (germline): Uncertain significance (1 of 4 stars; one submission).

Submission:

Labcorp Genetics (formerly Invitae), Labcorp
Classification: Uncertain significance. Last evaluated: 2023-05-17. Review status: criteria provided, single submitter. Criteria: Invitae Variant Classification Sherloc (09022015). Collection method: clinical testing. Allele origin: germline.
Comment: This sequence change replaces phenylalanine, which is neutral and non-polar, with tyrosine, which is neutral and polar, at codon 157 of the POLE protein (p.Phe157Tyr). This variant is not present in population databases (gnomAD no frequency). This variant has not been reported in the literature in individuals affected with POLE-related conditions. In summary, the available evidence is currently insufficient to determine the role of this variant in disease. Therefore, it has been classified as a Variant of Uncertain Significance. Advanced modeling of protein sequence and biophysical properties (such as structural, functional, and spatial information, amino acid conservation, physicochemical variation, residue mobility, and thermodynamic stability) performed at Invitae indicates that this missense variant is expected to disrupt POLE protein function.